The following is an entry in ClinVar:

NM_004360.5(CDH1):c.1085T>A (p.Val362Glu)

Gene: CDH1 (cadherin 1; plus strand). Cytogenetic location: 16q22.1.
Variant type: single nucleotide variant.
Coding change: c.1085T>A on transcript NM_004360.5 (MANE Select); coding-DNA position 1085, T replaced by A.
Protein change: p.Val362Glu; replaces valine 362 with glutamic acid.
Molecular consequence: missense variant. On other transcripts: 5 prime UTR variant (2).
Genome position (GRCh38, 1-based): chr16:68,812,211, T>A. VCF-style: chr16-68812211-T-A. GRCh37 (hg19) VCF-style: chr16-68846114-T-A.
Other names: c.1085T>A, p.Val362Glu (NM_001317184.2); c.-531T>A (NM_001317185.2); c.-735T>A (NM_001317186.2); short protein forms V362E.
Identifiers: ClinVar variation 1787515 (VCV001787515.3), dbSNP rs1198506273, ClinGen allele CA396460080.

ClinVar aggregate classification (germline): Uncertain significance (1 of 4 stars; one submission).

Conditions:
Hereditary cancer-predisposing syndrome. Also called: Neoplastic Syndromes, Hereditary; Tumor predisposition; Hereditary Cancer Syndrome; Hereditary neoplastic syndrome. Identifiers: Orphanet 140162, MedGen C0027672, MeSH D009386, MONDO:0015356.

Allele frequency attached by ClinVar (database versions not stated): gnomAD exomes below 0.00001.
gnomAD v4.1: 1 of 1,614,174 alleles (0.000062%); highest among the groups gnomAD compares: East Asian, 0.0022%; no homozygotes.

Submission:

Ambry Genetics
Classification: Uncertain significance for Hereditary cancer-predisposing syndrome. Last evaluated: 2025-05-09. Review status: criteria provided, single submitter. Criteria: Ambry Variant Classification Scheme 2023. Collection method: clinical testing. Allele origin: germline.
Comment: The p.V362E variant (also known as c.1085T>A), located in coding exon 8 of the CDH1 gene, results from a T to A substitution at nucleotide position 1085. The valine at codon 362 is replaced by glutamic acid, an amino acid with dissimilar properties. This amino acid position is not well conserved in available vertebrate species. In addition, the in silico prediction for this alteration is inconclusive. Based on the available evidence, the clinical significance of this variant remains unclear.